The following is an entry in ClinVar:

ClinVar aggregate classification (germline): Likely pathogenic (1 of 4 stars; one submission).

Conditions:
Nemaline myopathy 2 (NEM2). Also called: Nemaline myopathy 2, autosomal recessive. Identifiers: MedGen C1850569, MONDO:0009725, OMIM 256030.

Submission:

Natera, Inc.
Classification: Likely pathogenic for Nemaline myopathy type 2. Last evaluated: 2024-07-09. Review status: criteria provided, single submitter. Criteria: Natera Variant Classification Schema (03/2026). Collection method: clinical testing. Allele origin: germline.
Comment: The c.13089del variant in NEB is a frameshift variant predicted to shift the reading frame beginning at codon 4364 and leads to a stop codon 13 codons downstream. This variant is expected to result in nonsense mediated decay, truncation, or a dysfunctional protein product. This variant is rare in the general population with a frequency below the threshold expected for the associated phenotype(s). Given the available evidence, this variant is classified as Likely Pathogenic.

NM_001164508.2(NEB):c.13089del (p.Lys4364fs)

Gene: NEB (nebulin; minus strand). Cytogenetic location: 2q23.3.
Variant type: Deletion.
Coding change: c.13089del on transcript NM_001164508.2 (MANE Select); coding-DNA position 13089, one base deleted (G; older notation c.13089delG).
Protein change: p.Lys4364fs; shifts the reading frame from lysine 4364.
Molecular consequence: frameshift variant. On other transcripts: intron variant (1).
Genome position (GRCh38, 1-based): chr2:151,603,743, C deleted on the plus strand (G on the coding strand, the reverse complement: NEB is on the minus strand). VCF-style (leftmost placement, unchanged base first): chr2-151603742-TC-T. GRCh37 (hg19) VCF-style: chr2-152460256-TC-T.
Other names: c.13089del, p.Lys4364fs (NM_001164507.2, NM_001271208.2); c.13089delG, p.Lys4364Argfs (NM_001271208.1); c.11601+6066del (NM_004543.5); short protein forms K4364fs.
Identifiers: ClinVar variation 4814720 (VCV004814720.1).